The following is an entry in ClinVar:

NM_001282534.2(KCNK9):c.699G>C (p.Thr233=)

Gene: KCNK9 (potassium two pore domain channel subfamily K member 9; minus strand). Cytogenetic location: 8q24.3.
Variant type: single nucleotide variant.
Coding change: c.699G>C on transcript NM_001282534.2 (MANE Select); coding-DNA position 699, G replaced by C.
Protein change: p.Thr233=; no amino-acid change (threonine 233 retained).
Molecular consequence: synonymous variant. On other transcripts: non-coding transcript variant (1).
Genome position (GRCh38, 1-based): chr8:139,618,684, C>G on the plus strand (G>C on the coding strand, the complement: KCNK9 is on the minus strand). VCF-style: chr8-139618684-C-G. GRCh37 (hg19) VCF-style: chr8-140630927-C-G.
Identifiers: ClinVar variation 3778353 (VCV003778353.7).

ClinVar aggregate classification (germline): Likely benign (1 of 4 stars; one submission).

gnomAD v4.1: 8 of 1,614,088 alleles (0.0005%); highest among the groups gnomAD compares: Non-Finnish European, 0.00068%; no homozygotes.

Submission:

CeGaT Center for Human Genetics Tuebingen
Classification: Likely benign. Last evaluated: 2025-03-01. Review status: criteria provided, single submitter. Criteria: CeGaT Center For Human Genetics Tuebingen Variant Classification Criteria Version 2. Collection method: clinical testing. Allele origin: germline. Affected: yes. Observed: 1 variant allele.
Comment: KCNK9: BP4, BP7